The following is an entry in ClinVar:

NM_000101.4(CYBA):c.41C>T (p.Ala14Val)

Gene: CYBA (cytochrome b-245 alpha chain; minus strand). Cytogenetic location: 16q24.2.
Variant type: single nucleotide variant.
Coding change: c.41C>T on transcript NM_000101.4 (MANE Select); coding-DNA position 41, C replaced by T.
Protein change: p.Ala14Val; replaces alanine 14 with valine.
Molecular consequence: missense variant.
Genome position (GRCh38, 1-based): chr16:88,650,973, G>A on the plus strand (C>T on the coding strand, the complement: CYBA is on the minus strand). VCF-style: chr16-88650973-G-A. GRCh37 (hg19) VCF-style: chr16-88717381-G-A.
Other names: short protein forms A14V.
Identifiers: ClinVar variation 2340166 (VCV002340166.3), dbSNP rs750353019, ClinGen allele CA397067739.

ClinVar aggregate classification (germline): Uncertain significance. Review status: criteria provided, multiple submitters, no conflicts (2 of 4 stars). 2 submissions from 2 submitters: Uncertain significance (2). Last evaluated 2023-01-21.

Conditions:
Inborn genetic diseases. Identifiers: MedGen C0950123, MeSH D030342.
Granulomatous disease, chronic, autosomal recessive, cytochrome b-negative. Also called: GRANULOMATOUS DISEASE, CHRONIC, AUTOSOMAL RECESSIVE, 4; Chronic granulomatous disease, autosomal, due to deficiency of CYBA; CGD DUE TO DEFICIENCY OF THE ALPHA SUBUNIT OF CYTOCHROME b; CGD, AUTOSOMAL RECESSIVE CYTOCHROME b-NEGATIVE; CYBA DEFICIENCY. Identifiers: Orphanet 379, MedGen C1856255, MONDO:0009308, OMIM 233690.

Allele frequency attached by ClinVar (database versions not stated): gnomAD 0.00001.
gnomAD v4.1: 5 of 1,595,400 alleles (0.00031%); highest among the groups gnomAD compares: African/African-American, 0.0013%; no homozygotes.

Submissions (2):

Labcorp Genetics (formerly Invitae), Labcorp
Classification: Uncertain significance for Granulomatous disease, chronic, autosomal recessive, cytochrome b-negative. Last evaluated: 2023-01-21. Review status: criteria provided, single submitter. Criteria: Invitae Variant Classification Sherloc (09022015). Collection method: clinical testing. Allele origin: germline.
Comment: This variant has not been reported in the literature in individuals affected with CYBA-related conditions. Algorithms developed to predict the effect of missense changes on protein structure and function are either unavailable or do not agree on the potential impact of this missense change (SIFT: "Deleterious"; PolyPhen-2: "Possibly Damaging"; Align-GVGD: "Class C0"). In summary, the available evidence is currently insufficient to determine the role of this variant in disease. Therefore, it has been classified as a Variant of Uncertain Significance. Algorithms developed to predict the effect of sequence changes on RNA splicing suggest that this variant may create or strengthen a splice site. This variant is present in population databases (no rsID available, gnomAD 0.01%). This sequence change replaces alanine, which is neutral and non-polar, with valine, which is neutral and non-polar, at codon 14 of the CYBA protein (p.Ala14Val).

Ambry Genetics
Classification: Uncertain significance for Inborn genetic diseases. Last evaluated: 2022-12-28. Review status: criteria provided, single submitter. Criteria: Ambry Variant Classification Scheme 2023. Collection method: clinical testing. Allele origin: germline.